The following is an entry in ClinVar:

NM_005458.8(GABBR2):c.2362C>G (p.Leu788Val)

Gene: GABBR2 (gamma-aminobutyric acid type B receptor subunit 2; minus strand). Cytogenetic location: 9q22.33.
Variant type: single nucleotide variant.
Coding change: c.2362C>G on transcript NM_005458.8 (MANE Select); coding-DNA position 2362, C replaced by G.
Protein change: p.Leu788Val; replaces leucine 788 with valine.
Molecular consequence: missense variant.
Genome position (GRCh38, 1-based): chr9:98,303,291, G>C on the plus strand (C>G on the coding strand, the complement: GABBR2 is on the minus strand). VCF-style: chr9-98303291-G-C. GRCh37 (hg19) VCF-style: chr9-101065573-G-C.
Other names: short protein forms L788V.
Identifiers: ClinVar variation 3903138 (VCV003903138.1).

ClinVar aggregate classification (germline): Uncertain significance (1 of 4 stars; one submission).

Submission:

GeneDx
Classification: Uncertain significance. Last evaluated: 2024-12-14. Review status: criteria provided, single submitter. Criteria: GeneDx Variant Classification Process June 2021. Collection method: clinical testing. Allele origin: germline. Affected: yes.
Comment: Not observed at significant frequency in large population cohorts (gnomAD); In silico analysis indicates that this missense variant does not alter protein structure/function; Has not been previously published as pathogenic or benign to our knowledge